The following is an entry in ClinVar:

ClinVar aggregate classification (germline): Likely pathogenic (1 of 4 stars; one submission).

Allele frequency attached by ClinVar (database versions not stated): TOPMed below 0.00001; gnomAD 0.00001.

Submission:

GeneDx
Classification: Likely pathogenic. Last evaluated: 2019-02-14. Review status: criteria provided, single submitter. Criteria: GeneDx Variant Classification (06012015). Collection method: clinical testing. Allele origin: germline. Affected: yes.
Comment: The c.10470_10473dupAGTG likely pathogenic variant in the TNXB gene has not been reported to our knowledge. This variant has not been observed in large population cohorts (Lek et al., 2016). The c.10470_10473dupAGTG variant causes a shift in reading frame starting at codon proline 3492, changing it to a serine, and creating a premature stop codon at position 60 of the new reading frame, denoted p.Pro3492SerfsX60. This likely pathogenic variant is expected to result in either an abnormal, truncated protein product or loss of protein from this allele through nonsense-mediated mRNA decay. Biallelic variants in the TNXB gene that result in complete tenascin deficiency have been reported in Human Gene Mutation Database in association with autosomal recessive classical-like EDS (clEDS) (Stenson et al., 2014; Malfait et al., 2017). Though TNXB haploinsufficiency due to heterozygous loss of function variants has been reported in association with joint hypermobility (Zweers et al., 2003), the causal effect remains to be definitively established due to the possible contribution of other genetic and environmental factors. In summary, c.10470_10473dupAGTG in the TNXB gene is interpreted as a likely pathogenic variant.

NM_001365276.2(TNXB):c.10476_10479dup (p.Pro3494fs)

Gene: TNXB (tenascin XB; minus strand). Cytogenetic location: 6p21.33.
Variant type: Duplication.
Coding change: c.10476_10479dup on transcript NM_001365276.2 (MANE Select); coding-DNA positions 10476 to 10479, 4 bases duplicated (AGTG; older notation c.10476_10479dupAGTG).
Protein change: p.Pro3494fs; shifts the reading frame from proline 3494.
Molecular consequence: frameshift variant.
Genome position (GRCh38, 1-based): chr6:32,046,302-32,046,305, CACT duplicated on the plus strand (AGTG on the coding strand, the reverse complement: TNXB is on the minus strand). VCF-style (leftmost placement, unchanged base first): chr6-32046301-G-GCACT. GRCh37 (hg19) VCF-style: chr6-32014078-G-GCACT.
Other names: c.10470_10473dup, p.Pro3492fs (NM_019105.8); short protein forms P3492fs, P3494fs.
Identifiers: ClinVar variation 817460 (VCV000817460.1), dbSNP rs1582337456, ClinGen allele CA915944202.